The following is an entry in ClinVar:

NM_002234.4(KCNA5):c.535T>C (p.Tyr179His)

Gene: KCNA5 (potassium voltage-gated channel subfamily A member 5; plus strand). Cytogenetic location: 12p13.32.
Variant type: single nucleotide variant.
Coding change: c.535T>C on transcript NM_002234.4 (MANE Select); coding-DNA position 535, T replaced by C.
Protein change: p.Tyr179His; replaces tyrosine 179 with histidine.
Molecular consequence: missense variant.
Genome position (GRCh38, 1-based): chr12:5,044,682, T>C. VCF-style: chr12-5044682-T-C. GRCh37 (hg19) VCF-style: chr12-5153848-T-C.
Other names: short protein forms Y179H.
Identifiers: ClinVar variation 2102244 (VCV002102244.4), dbSNP rs753440572, ClinGen allele CA6399647.
Genomic context (GRCh38, chr12:5,044,682, plus strand): 5'-CTGAGGAACGAGTACTTCTTCGACCGCAACCGGCCCAGCTTCGACGGTATCCTCTACTAC[T>C]ACCAGTCCGGGGGCCGCCTGCGGAGGCCGGTCAACGTCTCCCTGGACGTGTTCGCGGACG-3'
Protein context (NP_002225.2, residues 169-189): RPSFDGILYY[Tyr179His]QSGGRLRRPV

ClinVar aggregate classification (germline): Uncertain significance (1 of 4 stars; one submission).

Conditions:
Atrial fibrillation, familial, 7 (ATFB7). Identifiers: MedGen C2677106, MONDO:0012828, OMIM 612240.

Allele frequency attached by ClinVar (database versions not stated): TOPMed below 0.00001; gnomAD 0.00001; gnomAD exomes 0.00001; ExAC 0.00002.

Submission:

Labcorp Genetics (formerly Invitae), Labcorp
Classification: Uncertain significance for Atrial fibrillation, familial, 7. Last evaluated: 2022-02-22. Review status: criteria provided, single submitter. Criteria: Invitae Variant Classification Sherloc (09022015). Collection method: clinical testing. Allele origin: germline.
Comment: In summary, the available evidence is currently insufficient to determine the role of this variant in disease. Therefore, it has been classified as a Variant of Uncertain Significance. Algorithms developed to predict the effect of missense changes on protein structure and function are either unavailable or do not agree on the potential impact of this missense change (SIFT: "Deleterious"; PolyPhen-2: "Probably Damaging"; Align-GVGD: "Class C0"). This variant has not been reported in the literature in individuals affected with KCNA5-related conditions. This variant is present in population databases (rs753440572, gnomAD 0.002%). This sequence change replaces tyrosine, which is neutral and polar, with histidine, which is basic and polar, at codon 179 of the KCNA5 protein (p.Tyr179His).